The following is an entry in ClinVar:

ClinVar aggregate classification (germline): Uncertain significance (1 of 4 stars; one submission).

Submission:

Ambry Genetics
Classification: Uncertain significance. Last evaluated: 2022-08-16. Review status: criteria provided, single submitter. Criteria: Ambry Variant Classification Scheme 2023. Collection method: clinical testing. Allele origin: germline.
Comment: The p.I279V variant (also known as c.835A>G), located in coding exon 6 of the BUB3 gene, results from an A to G substitution at nucleotide position 835. The isoleucine at codon 279 is replaced by valine, an amino acid with highly similar properties. This amino acid position is conserved. In addition, the in silico prediction for this alteration is inconclusive. Since supporting evidence is limited at this time, the clinical significance of this alteration remains unclear.

NM_004725.4(BUB3):c.835A>G (p.Ile279Val)

Gene: BUB3 (BUB3 mitotic checkpoint protein; plus strand). Cytogenetic location: 10q26.13.
Variant type: single nucleotide variant.
Coding change: c.835A>G on transcript NM_004725.4 (MANE Select); coding-DNA position 835, A replaced by G.
Protein change: p.Ile279Val; replaces isoleucine 279 with valine.
Molecular consequence: missense variant.
Genome position (GRCh38, 1-based): chr10:123,162,692, A>G. VCF-style: chr10-123162692-A-G. GRCh37 (hg19) VCF-style: chr10-124922208-A-G.
Other names: c.835A>G, p.Ile279Val (NM_001007793.3); short protein forms I279V.
Identifiers: ClinVar variation 1763065 (VCV001763065.2), dbSNP rs2493766897, ClinGen allele CA378627023.